The following is an entry in ClinVar:

NM_006946.4(SPTBN2):c.4388C>G (p.Ser1463Trp)

Gene: SPTBN2 (spectrin beta, non-erythrocytic 2; minus strand). Cytogenetic location: 11q13.2.
Variant type: single nucleotide variant.
Coding change: c.4388C>G on transcript NM_006946.4 (MANE Select); coding-DNA position 4388, C replaced by G.
Protein change: p.Ser1463Trp; replaces serine 1463 with tryptophan.
Molecular consequence: missense variant.
Genome position (GRCh38, 1-based): chr11:66,694,254, G>C on the plus strand (C>G on the coding strand, the complement: SPTBN2 is on the minus strand). VCF-style: chr11-66694254-G-C. GRCh37 (hg19) VCF-style: chr11-66461725-G-C.
Other names: c.4409C>G, p.Ser1470Trp (NM_001411025.1); short protein forms S1463W, S1470W.
Identifiers: ClinVar variation 1951928 (VCV001951928.5), dbSNP rs768355416, ClinGen allele CA381470185.
Genomic context (GRCh38, chr11:66,694,254, plus strand): 5'-CGCCGGCAGCGTTCCCGCATGGGCTGGCACAAGGCCCTGAACTTCTCCTCCACGGCCCTC[G>C]AGGTTCTCTCCACCTCCCCTGCACCCTGGTCCTCCTGGGCCAGTGCTTTGGCCTGGGCCT-3'
Protein context (NP_008877.2, residues 1453-1473): DQGAGEVERT[Ser1463Trp]RAVEEKFRAL

ClinVar aggregate classification (germline): Uncertain significance (1 of 4 stars; one submission).

Submission:

Labcorp Genetics (formerly Invitae), Labcorp
Classification: Uncertain significance. Last evaluated: 2022-11-28. Review status: criteria provided, single submitter. Criteria: Invitae Variant Classification Sherloc (09022015). Collection method: clinical testing. Allele origin: germline.
Comment: Advanced modeling of protein sequence and biophysical properties (such as structural, functional, and spatial information, amino acid conservation, physicochemical variation, residue mobility, and thermodynamic stability) performed at Invitae indicates that this missense variant is not expected to disrupt SPTBN2 protein function. In summary, the available evidence is currently insufficient to determine the role of this variant in disease. Therefore, it has been classified as a Variant of Uncertain Significance. This variant has not been reported in the literature in individuals affected with SPTBN2-related conditions. This sequence change replaces serine, which is neutral and polar, with tryptophan, which is neutral and slightly polar, at codon 1463 of the SPTBN2 protein (p.Ser1463Trp). This variant is not present in population databases (gnomAD no frequency).